The following is an entry in ClinVar:

ClinVar aggregate classification (germline): Uncertain significance (1 of 4 stars; one submission).

Submission:

CeGaT Center for Human Genetics Tuebingen
Classification: Uncertain significance. Last evaluated: 2022-04-01. Review status: criteria provided, single submitter. Criteria: CeGaT Center For Human Genetics Tuebingen Variant Classification Criteria Version 2. Collection method: clinical testing. Allele origin: germline. Affected: yes. Observed: 1 variant allele.
Comment: CERT1: PM2

NM_001379029.1(CERT1):c.326T>C (p.Ile109Thr)

Gene: CERT1 (ceramide transporter 1; minus strand). Cytogenetic location: 5q13.3.
Variant type: single nucleotide variant.
Coding change: c.326T>C on transcript NM_001379029.1 (MANE Select); coding-DNA position 326, T replaced by C.
Protein change: p.Ile109Thr; replaces isoleucine 109 with threonine.
Molecular consequence: missense variant.
Genome position (GRCh38, 1-based): chr5:75,459,087, A>G on the plus strand (T>C on the coding strand, the complement: CERT1 is on the minus strand). VCF-style: chr5-75459087-A-G. GRCh37 (hg19) VCF-style: chr5-74754912-A-G.
Other names: c.710T>C, p.Ile237Thr (NM_001130105.1); c.326T>C, p.Ile109Thr (NM_001379002.1, NM_001379003.1, NM_001379004.1 and 2 more transcripts); short protein forms I109T, I237T.
Identifiers: ClinVar variation 2655539 (VCV002655539.24), dbSNP rs762993636, ClinGen allele CA360142504.